The following is an entry in ClinVar:

ClinVar aggregate classification (germline): Uncertain significance. Review status: criteria provided, multiple submitters, no conflicts (2 of 4 stars). 3 submissions from 3 submitters: Uncertain significance (3). Last evaluated 2024-08-26.

Conditions:
Inborn genetic diseases. Identifiers: MedGen C0950123, MeSH D030342.

Allele frequency attached by ClinVar (database versions not stated): ExAC 0.00002; gnomAD 0.00002; TOPMed 0.00002; ESP Exome Variant Server 0.00015.
gnomAD v4.1: 31 of 1,612,882 alleles (0.0019%); highest among the groups gnomAD compares: African/African-American, 0.004%; 1 homozygote.

Submissions (3):

Blueprint Genetics
Classification: Uncertain significance. Last evaluated: 2024-08-26. Review status: criteria provided, single submitter. Criteria: ACMG Guidelines, 2015. Collection method: clinical testing. Allele origin: germline.

Athena Diagnostics
Classification: Uncertain significance. Last evaluated: 2024-05-22. Review status: criteria provided, single submitter. Criteria: Athena Diagnostics Criteria. Collection method: clinical testing. Allele origin: unknown.
Comment: Available data are insufficient to determine the clinical significance of the variant at this time. The frequency of this variant in the general population is uninformative in assessment of its pathogenicity. Polyphen and MutationTaster yielded discordant predictions regarding whether this amino acid change is damaging to the protein.

Ambry Genetics
Classification: Uncertain significance for Inborn genetic diseases. Last evaluated: 2023-06-28. Review status: criteria provided, single submitter. Criteria: Ambry Variant Classification Scheme 2023. Collection method: clinical testing. Allele origin: germline.

NM_015046.7(SETX):c.7019G>A (p.Arg2340Gln)

Gene: SETX (senataxin; minus strand). Cytogenetic location: 9q34.13.
Variant type: single nucleotide variant.
Coding change: c.7019G>A on transcript NM_015046.7 (MANE Select); coding-DNA position 7019, G replaced by A.
Protein change: p.Arg2340Gln; replaces arginine 2340 with glutamine.
Molecular consequence: missense variant.
Genome position (GRCh38, 1-based): chr9:132,275,337, C>T on the plus strand (G>A on the coding strand, the complement: SETX is on the minus strand). VCF-style: chr9-132275337-C-T. GRCh37 (hg19) VCF-style: chr9-135150724-C-T.
Other names: c.7019G>A, p.Arg2340Gln (NM_001351527.2, NM_001351528.2); short protein forms R2340Q.
Identifiers: ClinVar variation 1756704 (VCV001756704.4), dbSNP rs369919717, ClinGen allele CA5296534.